The following is an entry in ClinVar:

ClinVar aggregate classification (germline): Conflicting classifications of pathogenicity. Review status: criteria provided, conflicting classifications (1 of 4 stars). 2 submissions from 2 submitters: Uncertain significance (1); Benign (1). Last evaluated 2024-06-02.

gnomAD v4.1: 120 of 1,583,344 alleles (0.0076%); highest among the groups gnomAD compares: South Asian, 0.13%; no homozygotes.

Submissions (2):

GeneDx
Classification: Uncertain significance. Last evaluated: 2024-06-02. Review status: criteria provided, single submitter. Criteria: GeneDx Variant Classification Process June 2021. Collection method: clinical testing. Allele origin: germline. Affected: yes.
Comment: In silico analysis indicates that this missense variant does not alter protein structure/function; Has not been previously published as pathogenic or benign to our knowledge

Blueprint Genetics
Classification: Benign. Last evaluated: 2023-11-16. Review status: criteria provided, single submitter. Criteria: ACMG Guidelines, 2015. Collection method: clinical testing. Allele origin: germline.

NM_001329943.3(KIAA0586):c.2896A>G (p.Ile966Val)

Gene: KIAA0586 (KIAA0586; plus strand). Cytogenetic location: 14q23.1.
Variant type: single nucleotide variant.
Coding change: c.2896A>G on transcript NM_001329943.3 (MANE Select); coding-DNA position 2896, A replaced by G.
Protein change: p.Ile966Val; replaces isoleucine 966 with valine.
Molecular consequence: missense variant.
Genome position (GRCh38, 1-based): chr14:58,477,193, A>G. VCF-style: chr14-58477193-A-G. GRCh37 (hg19) VCF-style: chr14-58943911-A-G.
Other names: c.3055A>G, p.Ile1019Val (NM_001244189.2); c.2851A>G, p.Ile951Val (NM_001244190.2); c.2641A>G, p.Ile881Val (NM_001244191.2, NM_001329945.2, NM_001364700.1 and 1 more transcripts); c.2764A>G, p.Ile922Val (NM_001244192.2); c.2476A>G, p.Ile826Val (NM_001244193.2); c.2896A>G, p.Ile966Val (NM_001329944.2, NM_001329946.2, NM_001329947.2); c.2668A>G, p.Ile890Val (NM_014749.5); short protein forms I1019V, I826V, I881V, I890V, I922V, I951V, I966V.
Identifiers: ClinVar variation 3383822 (VCV003383822.2).